The following is an entry in ClinVar:

NM_001080.3(ALDH5A1):c.56T>C (p.Phe19Ser)

Genes: ALDH5A1 (aldehyde dehydrogenase 5 family member A1; plus strand), GPLD1 (glycosylphosphatidylinositol specific phospholipase D1; minus strand), LOC129995978 (ATAC-STARR-seq lymphoblastoid silent region 16989; plus strand). Cytogenetic location: 6p22.3.
Variant type: single nucleotide variant.
Coding change: c.56T>C on transcript NM_001080.3 (MANE Select); coding-DNA position 56, T replaced by C.
Protein change: p.Phe19Ser; replaces phenylalanine 19 with serine.
Molecular consequence: missense variant.
Genome position (GRCh38, 1-based): chr6:24,495,052, T>C. VCF-style: chr6-24495052-T-C. GRCh37 (hg19) VCF-style: chr6-24495280-T-C.
Other names: c.56T>C, p.Phe19Ser (NM_001368954.1, NM_170740.1); short protein forms F19S.
Identifiers: ClinVar variation 2005503 (VCV002005503.3), dbSNP rs2532811024, ClinGen allele CA362968146.

ClinVar aggregate classification (germline): Uncertain significance (1 of 4 stars; one submission).

Conditions:
Succinate-semialdehyde dehydrogenase deficiency (SSADHD). Also called: 4-HYDROXYBUTYRIC ACIDURIA; Succinic Semialdehyde Dehydrogenase Deficiency; GABA METABOLIC DEFECT; SSADH DEFICIENCY. Identifiers: Orphanet 22, MedGen C0268631, MONDO:0010083, OMIM 271980.

Submission:

Labcorp Genetics (formerly Invitae), Labcorp
Classification: Uncertain significance for Succinate-semialdehyde dehydrogenase deficiency. Last evaluated: 2024-10-24. Review status: criteria provided, single submitter. Criteria: Invitae Variant Classification Sherloc (09022015). Collection method: clinical testing. Allele origin: germline.
Comment: This sequence change replaces phenylalanine, which is neutral and non-polar, with serine, which is neutral and polar, at codon 19 of the ALDH5A1 protein (p.Phe19Ser). This variant is not present in population databases (gnomAD no frequency). This variant has not been reported in the literature in individuals affected with ALDH5A1-related conditions. ClinVar contains an entry for this variant (Variation ID: 2005503). Invitae Evidence Modeling of protein sequence and biophysical properties (such as structural, functional, and spatial information, amino acid conservation, physicochemical variation, residue mobility, and thermodynamic stability) indicates that this missense variant is not expected to disrupt ALDH5A1 protein function with a negative predictive value of 95%. In summary, the available evidence is currently insufficient to determine the role of this variant in disease. Therefore, it has been classified as a Variant of Uncertain Significance.